The following is an entry in ClinVar:

NM_001199799.2(ILDR1):c.561G>A (p.Val187=)

Gene: ILDR1 (immunoglobulin like domain containing receptor 1; minus strand). Cytogenetic location: 3q13.33.
Variant type: single nucleotide variant.
Coding change: c.561G>A on transcript NM_001199799.2 (MANE Select); coding-DNA position 561, G replaced by A.
Protein change: p.Val187=; no amino-acid change (valine 187 retained).
Molecular consequence: synonymous variant. On other transcripts: intron variant (1).
Genome position (GRCh38, 1-based): chr3:122,001,393, C>T on the plus strand (G>A on the coding strand, the complement: ILDR1 is on the minus strand). VCF-style: chr3-122001393-C-T. GRCh37 (hg19) VCF-style: chr3-121720240-C-T.
Other names: c.561G>A, p.Val187= (NM_175924.4); c.379+3851G>A (NM_001199800.2).
Identifiers: ClinVar variation 517419 (VCV000517419.4), dbSNP rs775815087, ClinGen allele CA82709317.

ClinVar aggregate classification (germline): Likely benign (1 of 4 stars; one submission).

Submission:

Laboratory for Molecular Medicine, Mass General Brigham Personalized Medicine
Classification: Likely benign. Last evaluated: 2017-06-13. Review status: criteria provided, single submitter. Criteria: LMM Criteria. Collection method: clinical testing. Allele origin: germline. Observed: 1 variant allele.
Comment: p.Val187Val in exon 5 of ILDR1: This variant is not expected to have clinical si gnificance because it does not alter an amino acid residue and is not located wi thin the splice consensus sequence.